The following is an entry in ClinVar:

ClinVar aggregate classification (germline): Likely pathogenic (1 of 4 stars; one submission).

Conditions:
Dilated cardiomyopathy 1G (CMD1G). Identifiers: Orphanet 154, MedGen C1858763, MONDO:0011400, OMIM 604145.
Autosomal recessive limb-girdle muscular dystrophy type 2J (LGMDR10). Also called: Limb-girdle muscular dystrophy, type 2J; MUSCULAR DYSTROPHY, LIMB-GIRDLE, AUTOSOMAL RECESSIVE 10. Identifiers: Orphanet 140922, MedGen C1837342, MONDO:0012127, OMIM 608807.

Submission:

Labcorp Genetics (formerly Invitae), Labcorp
Classification: Likely pathogenic for Dilated cardiomyopathy 1G; Autosomal recessive limb-girdle muscular dystrophy type 2J. Last evaluated: 2022-09-23. Review status: criteria provided, single submitter. Criteria: Invitae Variant Classification Sherloc (09022015). Collection method: clinical testing. Allele origin: germline.
Comment: This sequence change creates a premature translational stop signal (p.Asp28969Metfs*14) in the TTN gene. While this is not anticipated to result in nonsense mediated decay, it is expected to create a truncated TTN protein. This variant is not present in population databases (gnomAD no frequency). This variant has not been reported in the literature in individuals affected with TTN-related conditions. This variant is located in the A band of TTN (PMID: 25589632). Truncating variants in this region are significantly overrepresented in patients affected with dilated cardiomyopathy (PMID: 25589632). Truncating variants in this region have also been reported in individuals affected with autosomal recessive centronuclear myopathy (PMID: 23975875). In summary, the currently available evidence indicates that the variant is pathogenic, but additional data are needed to prove that conclusively. Therefore, this variant has been classified as Likely Pathogenic.

Literature cited by the submitters: PubMed 25589632; PubMed 23975875.

NM_001267550.2(TTN):c.86905del (p.Asp28969fs)

Genes: TTN (titin; minus strand), TTN-AS1 (TTN antisense RNA 1; plus strand). Cytogenetic location: 2q31.2.
Variant type: Deletion.
Coding change: c.86905del on transcript NM_001267550.2 (MANE Select); coding-DNA position 86905, one base deleted (G; older notation c.86905delG).
Protein change: p.Asp28969fs; shifts the reading frame from aspartic acid 28969.
Molecular consequence: frameshift variant.
Genome position (GRCh38, 1-based): chr2:178,558,554, C deleted on the plus strand (G on the coding strand, the reverse complement: TTN is on the minus strand). VCF-style (leftmost placement, unchanged base first): chr2-178558553-TC-T. GRCh37 (hg19) VCF-style: chr2-179423280-TC-T.
Other names: c.81982del, p.Asp27328fs (NM_001256850.1); c.59710del, p.Asp19904fs (NM_003319.4); c.79201del, p.Asp26401fs (NM_133378.4); c.60085del, p.Asp20029fs (NM_133432.3); c.60286del, p.Asp20096fs (NM_133437.4); short protein forms D19904fs, D20029fs, D20096fs, D26401fs, D27328fs, D28969fs.
Identifiers: ClinVar variation 2025660 (VCV002025660.4), dbSNP rs2469575234, ClinGen allele CA2580064796.